The following is an entry in ClinVar:

ClinVar aggregate classification (germline): Uncertain significance. Review status: criteria provided, multiple submitters, no conflicts (2 of 4 stars). 3 submissions from 3 submitters: Uncertain significance (2). 1 of the submissions does not count toward it. Last evaluated 2026-01-01.

Conditions:
Cerebral creatine deficiency syndrome. Also called: Creatine deficiency syndromes. Identifiers: Orphanet 79172, MedGen C5244016, MONDO:0000456.
Deficiency of guanidinoacetate methyltransferase (CCDS2). Also called: GAMT DEFICIENCY; CEREBRAL CREATINE DEFICIENCY SYNDROME 2; Guanidinoacetate Methyltransferase (GAMT) Deficiency. Identifiers: Orphanet 382, MedGen C0574080, MONDO:0012999, OMIM 612736.

Allele frequency attached by ClinVar (database versions not stated): TOPMed 0.00001.
gnomAD v4.1: 3 of 1,613,366 alleles (0.00019%); highest among the groups gnomAD compares: Non-Finnish European, 0.00025%; no homozygotes.

Submissions (3):

GeneDx
Classification: Uncertain significance. Last evaluated: 2026-01-01. Review status: criteria provided, single submitter. Criteria: GeneDx Variant Classification Process June 2021. Collection method: clinical testing. Allele origin: germline. Affected: yes.
Comment: Not observed at significant frequency in large population cohorts (gnomAD); In silico analysis supports a deleterious effect on splicing; In silico analysis suggests that this missense variant does not alter protein structure/function; Has not been previously published as pathogenic or benign to our knowledge

Labcorp Genetics (formerly Invitae), Labcorp
Classification: Uncertain significance for Cerebral creatine deficiency syndrome. Last evaluated: 2022-10-13. Review status: criteria provided, single submitter. Criteria: Invitae Variant Classification Sherloc (09022015). Collection method: clinical testing. Allele origin: germline.
Comment: This sequence change replaces asparagine, which is neutral and polar, with lysine, which is basic and polar, at codon 154 of the GAMT protein (p.Asn154Lys). This variant is present in population databases (no rsID available, gnomAD 0.0009%). This variant has not been reported in the literature in individuals affected with GAMT-related conditions. ClinVar contains an entry for this variant (Variation ID: 544260). Algorithms developed to predict the effect of missense changes on protein structure and function output the following: SIFT: "Tolerated"; PolyPhen-2: "Benign"; Align-GVGD: "Class C0". The lysine amino acid residue is found in multiple mammalian species, which suggests that this missense change does not adversely affect protein function. Algorithms developed to predict the effect of sequence changes on RNA splicing suggest that this variant may create or strengthen a splice site. In summary, the available evidence is currently insufficient to determine the role of this variant in disease. Therefore, it has been classified as a Variant of Uncertain Significance.

Natera, Inc.
Classification: Uncertain significance for Guanidinoacetate methyltransferase deficiency. Last evaluated: 2020-03-05. Review status: no assertion criteria provided. Collection method: clinical testing. Allele origin: germline. Not counted in ClinVar's aggregate classification.

NM_000156.6(GAMT):c.462C>G (p.Asn154Lys)

Gene: GAMT (guanidinoacetate N-methyltransferase; minus strand). Cytogenetic location: 19p13.3.
Variant type: single nucleotide variant.
Coding change: c.462C>G on transcript NM_000156.6 (MANE Select); coding-DNA position 462, C replaced by G.
Protein change: p.Asn154Lys; replaces asparagine 154 with lysine.
Molecular consequence: missense variant.
Genome position (GRCh38, 1-based): chr19:1,399,024, G>C on the plus strand (C>G on the coding strand, the complement: GAMT is on the minus strand). VCF-style: chr19-1399024-G-C. GRCh37 (hg19) VCF-style: chr19-1399023-G-C.
Other names: c.462C>G, p.Asn154Lys (NM_138924.3); short protein forms N154K.
Identifiers: ClinVar variation 544260 (VCV000544260.9), dbSNP rs748256259, ClinGen allele CA402994784.